The following is an entry in ClinVar:

ClinVar aggregate classification (germline): Benign. Review status: criteria provided, multiple submitters, no conflicts (2 of 4 stars). 2 submissions from 2 submitters: Benign (2). Last evaluated 2018-01-13.

Conditions:
Neuropathy, hereditary sensory and autonomic, type 1C. Also called: HSAN IC; HSN IC. Identifiers: Orphanet 36386, MedGen C3150896, MONDO:0013337, OMIM 613640.

Allele frequency attached by ClinVar (database versions not stated): gnomAD exomes 0.25000; TOPMed 0.53765; gnomAD 0.54169 and 0.55471; 1000 Genomes Project 30x 0.58214; 1000 Genomes Project 0.59625.
gnomAD v4.1: 84,643 of 152,114 alleles (56%); highest among the groups gnomAD compares: East Asian, 96%; 26,773 homozygotes.

Submissions (2):

Illumina Laboratory Services, Illumina
Classification: Benign for Neuropathy, hereditary sensory and autonomic, type 1C. Last evaluated: 2018-01-13. Review status: criteria provided, single submitter. Criteria: ICSL Variant Classification Criteria 13 December 2019. Collection method: clinical testing. Allele origin: germline.
Comment: This variant was observed in the ICSL laboratory as part of a predisposition screen in an ostensibly healthy population. It had not been previously curated by ICSL or reported in the Human Gene Mutation Database (HGMD: prior to June 1st, 2018), and was therefore a candidate for classification through an automated scoring system. Utilizing variant allele frequency, disease prevalence and penetrance estimates, and inheritance mode, an automated score was calculated to assess if this variant is too frequent to cause the disease. Based on the score and internal cut-off values, a variant classified as benign is not then subjected to further curation. The score for this variant resulted in a classification of benign for this disease.

Breakthrough Genomics
Classification: Benign. Review status: criteria provided, single submitter. Criteria: ACMG Guidelines, 2015. Collection method: not provided. Allele origin: germline. Inheritance: Autosomal dominant inheritance. Affected: yes.

NM_004863.4(SPTLC2):c.*4446G>T

Gene: SPTLC2 (serine palmitoyltransferase long chain base subunit 2; minus strand). Cytogenetic location: 14q24.3.
Variant type: single nucleotide variant.
Coding change: c.*4446G>T on transcript NM_004863.4 (MANE Select); 4446 bases downstream of the stop codon, G replaced by T.
Molecular consequence: 3 prime UTR variant.
Genome position (GRCh38, 1-based): chr14:77,507,838, C>A on the plus strand (G>T on the coding strand, the complement: SPTLC2 is on the minus strand). VCF-style: chr14-77507838-C-A. GRCh37 (hg19) VCF-style: chr14-77974181-C-A.
Identifiers: ClinVar variation 314589 (VCV000314589.6), dbSNP rs11159268, ClinGen allele CA10641133.